The following is an entry in ClinVar:

ClinVar aggregate classification (germline): Uncertain significance (1 of 4 stars; one submission).

Conditions:
Epidermolysis bullosa simplex 5C, with pyloric atresia (EBS5C). Also called: PLEC1-Related Epidermolysis Bullosa with Pyloric Atresia; Epidermolysis bullosa simplex with pyloric atresia; PLEC-Related Epidermolysis Bullosa with Pyloric Atresia. Identifiers: Orphanet 158684, MedGen C2677349, MONDO:0012807, OMIM 612138.
Epidermolysis bullosa simplex 5B, with muscular dystrophy (EBS5B). Also called: EPIDERMOLYSIS BULLOSA SIMPLEX AND LIMB-GIRDLE MUSCULAR DYSTROPHY; Epidermolysis bullosa simplex with muscular dystrophy. Identifiers: Orphanet 257, MedGen C2931072, MONDO:0009181, OMIM 226670.
Epidermolysis bullosa simplex with nail dystrophy (EBS5D). Identifiers: MedGen C4225309, MONDO:0014661, OMIM 616487.
Epidermolysis bullosa simplex, Ogna type (EBS5A). Also called: Pidermolysis bullosa simplex 5A, Ogna type; EPIDERMOLYSIS BULLOSA SIMPLEX 5A, OGNA TYPE. Identifiers: Orphanet 79401, MedGen C0432317, MONDO:0007555, OMIM 131950.
Autosomal recessive limb-girdle muscular dystrophy type 2Q (LGMDR17). Also called: MUSCULAR DYSTROPHY, LIMB-GIRDLE, AUTOSOMAL RECESSIVE 17. Identifiers: Orphanet 254361, MedGen C3150989, MONDO:0013390, OMIM 613723.

Allele frequency attached by ClinVar (database versions not stated): gnomAD exomes below 0.00001.
gnomAD v4.1: 1 of 1,614,018 alleles (0.000062%); highest among the groups gnomAD compares: South Asian, 0.0011%; no homozygotes.

Submission:

Labcorp Genetics (formerly Invitae), Labcorp
Classification: Uncertain significance for Autosomal recessive limb-girdle muscular dystrophy type 2Q; Epidermolysis bullosa simplex, Ogna type; Epidermolysis bullosa simplex with nail dystrophy; Epidermolysis bullosa simplex 5C, with pyloric atresia; Epidermolysis bullosa simplex 5B, with muscular dystrophy. Last evaluated: 2020-03-01. Review status: criteria provided, single submitter. Criteria: Invitae Variant Classification Sherloc (09022015). Collection method: clinical testing. Allele origin: germline.
Comment: Algorithms developed to predict the effect of missense changes on protein structure and function (SIFT, PolyPhen-2, Align-GVGD) all suggest that this variant is likely to be tolerated, but these predictions have not been confirmed by published functional studies and their clinical significance is uncertain. In summary, the available evidence is currently insufficient to determine the role of this variant in disease. Therefore, it has been classified as a Variant of Uncertain Significance. This variant has not been reported in the literature in individuals with PLEC-related conditions. This sequence change replaces threonine with isoleucine at codon 3536 of the PLEC protein (p.Thr3536Ile). The threonine residue is moderately conserved and there is a moderate physicochemical difference between threonine and isoleucine. This variant is not present in population databases (ExAC no frequency).

NM_201384.3(PLEC):c.10526C>T (p.Thr3509Ile)

Gene: PLEC (plectin; minus strand). Cytogenetic location: 8q24.3.
Variant type: single nucleotide variant.
Coding change: c.10526C>T on transcript NM_201384.3 (MANE Select); coding-DNA position 10526, C replaced by T.
Protein change: p.Thr3509Ile; replaces threonine 3509 with isoleucine.
Molecular consequence: missense variant.
Genome position (GRCh38, 1-based): chr8:143,919,295, G>A on the plus strand (C>T on the coding strand, the complement: PLEC is on the minus strand). VCF-style: chr8-143919295-G-A. GRCh37 (hg19) VCF-style: chr8-144993463-G-A.
Other names: c.10607C>T, p.Thr3536Ile (NM_000445.5); c.10484C>T, p.Thr3495Ile (NM_201378.4); c.10460C>T, p.Thr3487Ile (NM_201379.3); c.10937C>T, p.Thr3646Ile (NM_201380.4); c.10430C>T, p.Thr3477Ile (NM_201381.3); c.10526C>T, p.Thr3509Ile (NM_201382.4); c.10538C>T, p.Thr3513Ile (NM_201383.3); short protein forms T3646I, T3495I, T3509I, T3513I, T3536I, T3477I, T3487I.
Identifiers: ClinVar variation 1037052 (VCV001037052.9), dbSNP rs1821699183, ClinGen allele CA372498029.